The following is an entry in ClinVar:

NM_006206.6(PDGFRA):c.838G>T (p.Ala280Ser)

Gene: PDGFRA (platelet derived growth factor receptor alpha; plus strand). Cytogenetic location: 4q12.
Variant type: single nucleotide variant.
Coding change: c.838G>T on transcript NM_006206.6 (MANE Select); coding-DNA position 838, G replaced by T.
Protein change: p.Ala280Ser; replaces alanine 280 with serine.
Molecular consequence: missense variant.
Genome position (GRCh38, 1-based): chr4:54,267,367, G>T. VCF-style: chr4-54267367-G-T. GRCh37 (hg19) VCF-style: chr4-55133534-G-T.
Other names: c.838G>T, p.Ala280Ser (NM_001347827.2, NM_001347829.2); c.913G>T, p.Ala305Ser (NM_001347828.2); c.877G>T, p.Ala293Ser (NM_001347830.2); short protein forms A280S, A305S, A293S.
Identifiers: ClinVar variation 407381 (VCV000407381.22), dbSNP rs150927351, ClinGen allele CA2922404.

ClinVar aggregate classification (germline): Conflicting classifications of pathogenicity. Review status: criteria provided, conflicting classifications (1 of 4 stars). 7 submissions from 7 submitters: Uncertain significance (5); Likely benign (2). Last evaluated 2026-06-12.

Conditions:
Polyps, multiple and recurrent inflammatory fibroid, gastrointestinal. Identifiers: MedGen C5193005, MONDO:0008285, OMIM 175510.
Hereditary cancer-predisposing syndrome. Also called: Neoplastic Syndromes, Hereditary; Hereditary Cancer Syndrome; Hereditary neoplastic syndrome; Tumor predisposition. Identifiers: Orphanet 140162, MedGen C0027672, MeSH D009386, MONDO:0015356.
Idiopathic hypereosinophilic syndrome (HES). Identifiers: Orphanet 3260, MedGen C0206141, MONDO:0011895, OMIM 607685. Disease mechanism: gain of function.
Gastrointestinal stromal tumor. Also called: Gastrointestinal stromal tumor, somatic; Gastrointestinal stroma tumor. Identifiers: Orphanet 44890, MedGen C0238198, MeSH D046152, MONDO:0011719, OMIM 606764, HP:0100723.

Allele frequency attached by ClinVar (database versions not stated): ExAC 0.00003; gnomAD 0.00003 and 0.00004; gnomAD exomes 0.00003; TOPMed 0.00003; ESP Exome Variant Server 0.00015.
gnomAD v4.1: 50 of 1,613,934 alleles (0.0031%); highest among the groups gnomAD compares: Non-Finnish European, 0.0042%; no homozygotes.

Submissions (7):

Myriad Genetics, Inc.
Classification: Likely benign for Polyps, multiple and recurrent inflammatory fibroid, gastrointestinal. Last evaluated: 2026-06-12. Review status: criteria provided, single submitter. Criteria: Myriad Autosomal Dominant, Autosomal Recessive and X-Linked Classification Criteria (2023). Collection method: clinical testing. Allele origin: unknown.
Comment: This variant is considered likely benign. This variant has been observed at a population frequency that is significantly greater than expected given the associated disease prevalence and penetrance.

Labcorp Genetics (formerly Invitae), Labcorp
Classification: Uncertain significance for Gastrointestinal stromal tumor. Last evaluated: 2026-01-05. Review status: criteria provided, single submitter. Criteria: Invitae Variant Classification Sherloc (09022015). Collection method: clinical testing. Allele origin: germline.
Comment: This sequence change replaces alanine, which is neutral and non-polar, with serine, which is neutral and polar, at codon 280 of the PDGFRA protein (p.Ala280Ser). This variant is present in population databases (rs150927351, gnomAD 0.006%). This variant has not been reported in the literature in individuals affected with PDGFRA-related conditions. ClinVar contains an entry for this variant (Variation ID: 407381). Invitae Evidence Modeling of protein sequence and biophysical properties (such as structural, functional, and spatial information, amino acid conservation, physicochemical variation, residue mobility, and thermodynamic stability) indicates that this missense variant is not expected to disrupt PDGFRA protein function with a negative predictive value of 80%. In summary, the available evidence is currently insufficient to determine the role of this variant in disease. Therefore, it has been classified as a Variant of Uncertain Significance.

GeneDx
Classification: Uncertain significance. Last evaluated: 2025-04-18. Review status: criteria provided, single submitter. Criteria: GeneDx Variant Classification Process June 2021. Collection method: clinical testing. Allele origin: germline. Affected: yes.
Comment: In silico analysis indicates that this missense variant does not alter protein structure/function; Has not been previously published as pathogenic or benign to our knowledge

St. Jude Molecular Pathology, St. Jude Children's Research Hospital
Classification: Uncertain significance for Polyps, multiple and recurrent inflammatory fibroid, gastrointestinal. Last evaluated: 2025-01-22. Review status: criteria provided, single submitter. Criteria: St. Jude Assertion Criteria 2020. Collection method: clinical testing. Allele origin: germline.
Comment: The PDGFRA c.838G>T p.(Ala280Ser) missense change has a maximum subpopulation frequency of 0.006% in gnomAD v2.1.1. The in silico tool REVEL is inconclusive about a pathogenic or benign effect of this variant on protein function, and to our knowledge functional studies have not been performed. To our knowledge, this variant has not been reported in individuals with PDGFRA-related conditions. In summary, the evidence currently available is insufficient to determine the clinical significance of this variant. It has therefore been classified as of uncertain significance.

Ambry Genetics
Classification: Likely benign for Hereditary cancer-predisposing syndrome. Last evaluated: 2024-10-28. Review status: criteria provided, single submitter. Criteria: Ambry Variant Classification Scheme 2023. Collection method: clinical testing. Allele origin: germline.

Fulgent Genetics
Classification: Uncertain significance for Polyps, multiple and recurrent inflammatory fibroid, gastrointestinal; Idiopathic hypereosinophilic syndrome. Last evaluated: 2024-05-17. Review status: criteria provided, single submitter. Criteria: ACMG Guidelines, 2015. Collection method: clinical testing. Allele origin: germline.

Baylor Genetics
Classification: Uncertain significance for Polyps, multiple and recurrent inflammatory fibroid, gastrointestinal. Last evaluated: 2024-03-25. Review status: criteria provided, single submitter. Criteria: ACMG Guidelines, 2015. Collection method: clinical testing. Allele origin: unknown.